The following is an entry in ClinVar:

ClinVar aggregate classification (germline): Conflicting classifications of pathogenicity. Review status: criteria provided, conflicting classifications (1 of 4 stars). 6 submissions from 6 submitters: Uncertain significance (1); Likely benign (4). 1 of the submissions does not count toward it. Last evaluated 2026-03-01.

Conditions:
Inborn genetic diseases. Identifiers: MedGen C0950123, MeSH D030342.
NSUN2-related disorder. Also called: NSUN2-related condition.
Intellectual developmental disorder, autosomal recessive 5. Also called: Intellectual disability, autosomal recessive 5. Identifiers: Orphanet 88616, MedGen C1970199, MONDO:0012613, OMIM 611091.

Allele frequency attached by ClinVar (database versions not stated): ESP Exome Variant Server 0.00015; gnomAD 0.00020 and 0.00022; gnomAD exomes 0.00026 and 0.00011; ExAC 0.00016.
gnomAD v4.1: 394 of 1,603,716 alleles (0.025%); highest among the groups gnomAD compares: Non-Finnish European, 0.032%; no homozygotes.

Submissions (6):

CeGaT Center for Human Genetics Tuebingen
Classification: Likely benign. Last evaluated: 2026-03-01. Review status: criteria provided, single submitter. Criteria: CeGaT Center For Human Genetics Tuebingen Variant Classification Criteria Version 2. Collection method: clinical testing. Allele origin: germline. Affected: yes. Observed: 4 variant alleles.
Comment: NSUN2: BP4, BP7

Labcorp Genetics (formerly Invitae), Labcorp
Classification: Likely benign. Last evaluated: 2025-12-22. Review status: criteria provided, single submitter. Criteria: Invitae Variant Classification Sherloc (09022015). Collection method: clinical testing. Allele origin: germline.

Blueprint Genetics
Classification: Likely benign. Last evaluated: 2024-08-22. Review status: criteria provided, single submitter. Criteria: ACMG Guidelines, 2015. Collection method: clinical testing. Allele origin: germline.

Illumina Laboratory Services, Illumina
Classification: Uncertain significance for Intellectual developmental disorder, autosomal recessive 5. Last evaluated: 2018-01-13. Review status: criteria provided, single submitter. Criteria: ICSL Variant Classification Criteria 13 December 2019. Collection method: clinical testing. Allele origin: germline.

Ambry Genetics
Classification: Likely benign for Inborn genetic diseases. Last evaluated: 2016-07-18. Review status: criteria provided, single submitter. Criteria: Ambry Variant Classification Scheme 2023. Collection method: clinical testing. Allele origin: germline.

PreventionGenetics, part of Exact Sciences
Classification: Likely benign for NSUN2-related condition. Last evaluated: 2019-05-31. Review status: no assertion criteria provided. Collection method: clinical testing. Allele origin: germline. Not counted in ClinVar's aggregate classification.
Comment: This variant is classified as likely benign based on ACMG/AMP sequence variant interpretation guidelines (Richards et al. 2015 PMID: 25741868, with internal and published modifications).

NM_017755.6(NSUN2):c.486A>G (p.Glu162=)

Gene: NSUN2 (NOP2/Sun RNA methyltransferase 2; minus strand). Cytogenetic location: 5p15.31.
Variant type: single nucleotide variant.
Coding change: c.486A>G on transcript NM_017755.6 (MANE Select); coding-DNA position 486, A replaced by G.
Protein change: p.Glu162=; no amino-acid change (glutamic acid 162 retained).
Molecular consequence: synonymous variant. On other transcripts: non-coding transcript variant (1).
Genome position (GRCh38, 1-based): chr5:6,623,265, T>C on the plus strand (A>G on the coding strand, the complement: NSUN2 is on the minus strand). VCF-style: chr5-6623265-T-C. GRCh37 (hg19) VCF-style: chr5-6623378-T-C.
Other names: c.381A>G, p.Glu127= (NM_001193455.2).
Identifiers: ClinVar variation 588068 (VCV000588068.39), dbSNP rs147958833, ClinGen allele CA3192767.